The following is an entry in ClinVar:

ClinVar aggregate classification (germline): Pathogenic (1 of 4 stars; one submission).

Conditions:
Hereditary diffuse gastric adenocarcinoma (HDGC). Also called: DIFFUSE GASTRIC AND LOBULAR BREAST CANCER SYNDROME. Identifiers: Orphanet 26106, MedGen C1708349, MONDO:0007648, OMIM 137215.

Submission:

Myriad Genetics, Inc.
Classification: Pathogenic for Hereditary diffuse gastric adenocarcinoma. Last evaluated: 2026-01-14. Review status: criteria provided, single submitter. Criteria: Myriad Autosomal Dominant, Autosomal Recessive and X-Linked Classification Criteria (2023). Collection method: clinical testing. Allele origin: unknown.
Comment: This variant is considered pathogenic. This variant creates a termination codon and is predicted to result in premature protein truncation.

NM_001903.5(CTNNA1):c.1289T>A (p.Leu430Ter)

Gene: CTNNA1 (catenin alpha 1; plus strand). Cytogenetic location: 5q31.2.
Variant type: single nucleotide variant.
Coding change: c.1289T>A on transcript NM_001903.5 (MANE Select); coding-DNA position 1289, T replaced by A.
Protein change: p.Leu430Ter; replaces leucine 430 with a stop codon.
Molecular consequence: nonsense. On other transcripts: 5 prime UTR variant (5), intron variant (2).
Genome position (GRCh38, 1-based): chr5:138,887,635, T>A. VCF-style: chr5-138887635-T-A. GRCh37 (hg19) VCF-style: chr5-138223324-T-A.
Other names: c.-219T>A (NM_001324006.1, NM_001324007.1, NM_001324008.1 and 1 more transcripts); c.179T>A, p.Leu60Ter (NM_001324011.1, NM_001290312.1, NM_001323987.1 and 18 more transcripts); c.-94T>A (NM_001324013.1); c.-58+12038T>A (NM_001324012.1); c.-61+12038T>A (NM_001324010.1); c.1289T>A, p.Leu430Ter (NM_001290307.3, NM_001323982.2, NM_001323983.1 and 3 more transcripts); c.980T>A, p.Leu327Ter (NM_001290309.3); c.920T>A, p.Leu307Ter (NM_001290310.3); short protein forms L307*, L327*, L430*, L60*.
Identifiers: ClinVar variation 4856718 (VCV004856718.1).